The following is an entry in ClinVar:

ClinVar aggregate classification (germline): Uncertain significance (1 of 4 stars; one submission).

Conditions:
Hypertrophic cardiomyopathy. Also called: HYPERTROPHIC MYOCARDIOPATHY. Identifiers: Orphanet 217569, MedGen C0007194, MeSH D002312, MONDO:0005045, HP:0001639.

Submission:

Labcorp Genetics (formerly Invitae), Labcorp
Classification: Uncertain significance for Hypertrophic cardiomyopathy. Last evaluated: 2025-11-09. Review status: criteria provided, single submitter. Criteria: Invitae Variant Classification Sherloc (09022015). Collection method: clinical testing. Allele origin: germline.
Comment: This sequence change falls in intron 33 of the MYBPC3 gene. It does not directly change the encoded amino acid sequence of the MYBPC3 protein. This variant is not present in population databases (gnomAD no frequency). This variant has not been reported in the literature in individuals affected with MYBPC3-related conditions. Algorithms developed to predict the effect of sequence changes on RNA splicing suggest that this variant may disrupt the consensus splice site. In summary, the available evidence is currently insufficient to determine the role of this variant in disease. Therefore, it has been classified as a Variant of Uncertain Significance.

NM_000256.3(MYBPC3):c.3815-11C>G

Gene: MYBPC3 (myosin binding protein C3; minus strand). Cytogenetic location: 11p11.2.
Variant type: single nucleotide variant.
Coding change: c.3815-11C>G on transcript NM_000256.3 (MANE Select); 11 bases into the intron before coding-DNA position 3815, C replaced by G.
Molecular consequence: intron variant.
Genome position (GRCh38, 1-based): chr11:47,331,892, G>C on the plus strand (C>G on the coding strand, the complement: MYBPC3 is on the minus strand). VCF-style: chr11-47331892-G-C. GRCh37 (hg19) VCF-style: chr11-47353443-G-C.
Identifiers: ClinVar variation 4730812 (VCV004730812.1).